The following is an entry in ClinVar:

NM_016222.4(DDX41):c.1063G>A (p.Glu355Lys)

Gene: DDX41 (DEAD-box helicase 41; minus strand). Cytogenetic location: 5q35.3.
Variant type: single nucleotide variant.
Coding change: c.1063G>A on transcript NM_016222.4 (MANE Select); coding-DNA position 1063, G replaced by A.
Protein change: p.Glu355Lys; replaces glutamic acid 355 with lysine.
Molecular consequence: missense variant.
Genome position (GRCh38, 1-based): chr5:177,513,720, C>T on the plus strand (G>A on the coding strand, the complement: DDX41 is on the minus strand). VCF-style: chr5-177513720-C-T. GRCh37 (hg19) VCF-style: chr5-176940721-C-T.
Other names: c.685G>A, p.Glu229Lys (NM_001321732.2, NM_001321830.2); c.1063G>A (NM_016222.2); short protein forms E355K, E229K.
Identifiers: ClinVar variation 2900672 (VCV002900672.4), dbSNP rs778864620, ClinGen allele CA3584917.

ClinVar aggregate classification (germline): Uncertain significance. Review status: criteria provided, multiple submitters, no conflicts (2 of 4 stars). 2 submissions from 2 submitters: Uncertain significance (2). Last evaluated 2025-02-04.

Conditions:
Inborn genetic diseases. Identifiers: MedGen C0950123, MeSH D030342.

Allele frequency attached by ClinVar (database versions not stated): ExAC 0.00001; gnomAD exomes 0.00001; TOPMed 0.00001.
gnomAD v4.1: 7 of 1,613,668 alleles (0.00043%); highest among the groups gnomAD compares: Non-Finnish European, 0.00059%; no homozygotes.

Submissions (2):

Ambry Genetics
Classification: Uncertain significance for Inborn genetic diseases. Last evaluated: 2025-02-04. Review status: criteria provided, single submitter. Criteria: Ambry Variant Classification Scheme 2023. Collection method: clinical testing. Allele origin: germline.
Comment: The p.E355K variant (also known as c.1063G>A), located in coding exon 10 of the DDX41 gene, results from a G to A substitution at nucleotide position 1063. The glutamic acid at codon 355 is replaced by lysine, an amino acid with similar properties. This amino acid position is highly conserved in available vertebrate species. In addition, this alteration is predicted to be tolerated by in silico analysis. Based on the available evidence, the clinical significance of this variant remains unclear.

Labcorp Genetics (formerly Invitae), Labcorp
Classification: Uncertain significance. Last evaluated: 2023-01-04. Review status: criteria provided, single submitter. Criteria: Invitae Variant Classification Sherloc (09022015). Collection method: clinical testing. Allele origin: germline.
Comment: In summary, the available evidence is currently insufficient to determine the role of this variant in disease. Therefore, it has been classified as a Variant of Uncertain Significance. Algorithms developed to predict the effect of missense changes on protein structure and function are either unavailable or do not agree on the potential impact of this missense change (SIFT: "Not Available"; PolyPhen-2: "Probably Damaging"; Align-GVGD: "Not Available"). This variant has not been reported in the literature in individuals affected with DDX41-related conditions. This variant is present in population databases (rs778864620, gnomAD 0.0009%). This sequence change replaces glutamic acid, which is acidic and polar, with lysine, which is basic and polar, at codon 355 of the DDX41 protein (p.Glu355Lys).